The following is an entry in ClinVar:

ClinVar aggregate classification (germline): Uncertain significance (1 of 4 stars; one submission).

Submission:

GeneDx
Classification: Uncertain significance. Last evaluated: 2026-09-12. Review status: criteria provided, single submitter. Criteria: GeneDx Variant Classification Process June 2021. Collection method: clinical testing. Allele origin: germline.
Comment: Not observed at significant frequency in large population cohorts (gnomAD); In silico analysis supports that this missense variant has a deleterious effect on protein structure/function; Has not been previously published as pathogenic or benign to our knowledge

NM_018116.4(MSTO1):c.154C>A (p.Arg52Ser)

Gene: MSTO1 (misato mitochondrial distribution and morphology regulator 1; plus strand). Cytogenetic location: 1q22.
Variant type: single nucleotide variant.
Coding change: c.154C>A on transcript NM_018116.4 (MANE Select); coding-DNA position 154, C replaced by A.
Protein change: p.Arg52Ser; replaces arginine 52 with serine.
Molecular consequence: missense variant. On other transcripts: 5 prime UTR variant (14), non-coding transcript variant (6).
Genome position (GRCh38, 1-based): chr1:155,610,494, C>A. VCF-style: chr1-155610494-C-A. GRCh37 (hg19) VCF-style: chr1-155580285-C-A.
Other names: c.154C>A, p.Arg52Ser (NM_001256532.1, NM_001256533.1, NM_001350772.1 and 3 more transcripts); c.-134C>A (NM_001350776.1); c.-403C>A (NM_001350777.1, NM_001350779.1); c.-467C>A (NM_001350778.1); c.-519C>A (NM_001350780.1); c.-920C>A (NM_001350781.1); c.-445C>A (NM_001350782.1, NM_001350783.1, NM_001350786.1 and 1 more transcripts); c.-452C>A (NM_001350784.1, NM_001350787.1); and 2 more; short protein forms R52S.
Identifiers: ClinVar variation 2662924 (VCV002662924.2), dbSNP rs2525401371, ClinGen allele CA342756091.